The following is an entry in ClinVar:

NM_001099922.3(ALG13):c.1518A>T (p.Glu506Asp)

Gene: ALG13 (ALG13 UDP-N-acetylglucosaminyltransferase subunit; plus strand). Cytogenetic location: Xq23.
Variant type: single nucleotide variant.
Coding change: c.1518A>T on transcript NM_001099922.3 (MANE Select); coding-DNA position 1518, A replaced by T.
Protein change: p.Glu506Asp; replaces glutamic acid 506 with aspartic acid.
Molecular consequence: missense variant.
Genome position (GRCh38, 1-based): chrX:111,723,815, A>T. VCF-style: chrX-111723815-A-T. GRCh37 (hg19) VCF-style: chrX-110967043-A-T.
Other names: c.1206A>T, p.Glu402Asp (NM_001257230.2, NM_001257234.2, NM_001257237.2); c.1284A>T, p.Glu428Asp (NM_001257231.2); c.1518A>T, p.Glu506Asp (NM_001324292.2); c.1032A>T, p.Glu344Asp (NM_001324293.1); short protein forms E428D, E344D, E506D, E402D.
Identifiers: ClinVar variation 1037567 (VCV001037567.7), dbSNP rs1941679245, ClinGen allele CA414251902.

ClinVar aggregate classification (germline): Uncertain significance (1 of 4 stars; one submission).

Conditions:
Developmental and epileptic encephalopathy, 36 (DEE36). Also called: ALG13-CDG; Epileptic encephalopathy, early infantile, 36; Congenital disorder of glycosylation, type Is. Identifiers: Orphanet 324422, MedGen C4317295, MONDO:0010472, OMIM 300884.

Submission:

Labcorp Genetics (formerly Invitae), Labcorp
Classification: Uncertain significance for Developmental and epileptic encephalopathy, 36. Last evaluated: 2026-01-19. Review status: criteria provided, single submitter. Criteria: Invitae Variant Classification Sherloc (09022015). Collection method: clinical testing. Allele origin: germline.
Comment: This sequence change replaces glutamic acid, which is acidic and polar, with aspartic acid, which is acidic and polar, at codon 506 of the ALG13 protein (p.Glu506Asp). This variant is not present in population databases (gnomAD no frequency). This variant has not been reported in the literature in individuals affected with ALG13-related conditions. ClinVar contains an entry for this variant (Variation ID: 1037567). Invitae Evidence Modeling of protein sequence and biophysical properties (such as structural, functional, and spatial information, amino acid conservation, physicochemical variation, residue mobility, and thermodynamic stability) indicates that this missense variant is not expected to disrupt ALG13 protein function with a negative predictive value of 95%. In summary, the available evidence is currently insufficient to determine the role of this variant in disease. Therefore, it has been classified as a Variant of Uncertain Significance.